The following is an entry in ClinVar:

NM_020828.2(ZFP28):c.74C>G (p.Pro25Arg)

Gene: ZFP28 (ZFP28 zinc finger protein; plus strand). Cytogenetic location: 19q13.43.
Variant type: single nucleotide variant.
Coding change: c.74C>G on transcript NM_020828.2 (MANE Select); coding-DNA position 74, C replaced by G.
Protein change: p.Pro25Arg; replaces proline 25 with arginine.
Molecular consequence: missense variant.
Genome position (GRCh38, 1-based): chr19:56,539,092, C>G. VCF-style: chr19-56539092-C-G. GRCh37 (hg19) VCF-style: chr19-57050461-C-G.
Other names: c.74C>G, p.Pro25Arg (NM_001308440.2); short protein forms P25R.
Identifiers: ClinVar variation 3338593 (VCV003338593.1).

ClinVar aggregate classification (germline): Uncertain significance (1 of 4 stars; one submission).

gnomAD v4.1: 1 of 1,540,816 alleles (0.000065%); highest among the groups gnomAD compares: Non-Finnish European, 0.000087%; no homozygotes.

Submission:

Greenwood Genetic Center Diagnostic Laboratories, Greenwood Genetic Center
Classification: Uncertain significance. Last evaluated: 2024-04-22. Review status: criteria provided, single submitter. Criteria: ACMG Guidelines, 2015. Collection method: clinical testing. Allele origin: germline. Affected: yes.
Comment: Gene of Uncertain Significance